The following is an entry in ClinVar:

ClinVar aggregate classification (germline): Uncertain significance. Review status: criteria provided, multiple submitters, no conflicts (2 of 4 stars). 3 submissions from 3 submitters: Uncertain significance (3). Last evaluated 2023-02-10.

Conditions:
Isolated microphthalmia 5. Also called: Posterior Microphthalmia with Retinitis Pigmentosa, Foveoschisis, and Optic Disc Drusen. Identifiers: Orphanet 251279, MedGen C1970236, MONDO:0012605, OMIM 611040.
Inborn genetic diseases. Identifiers: MedGen C0950123, MeSH D030342.

Allele frequency attached by ClinVar (database versions not stated): gnomAD exomes 0.00006 and 0.00003; ExAC 0.00003; gnomAD 0.00017; ESP Exome Variant Server 0.00015; TOPMed 0.00015.
gnomAD v4.1: 117 of 1,613,994 alleles (0.0072%); highest among the groups gnomAD compares: African/African-American, 0.051%; no homozygotes.

Submissions (3):

Ambry Genetics
Classification: Uncertain significance for Inborn genetic diseases. Last evaluated: 2023-02-10. Review status: criteria provided, single submitter. Criteria: Ambry Variant Classification Scheme 2023. Collection method: clinical testing. Allele origin: germline.

Labcorp Genetics (formerly Invitae), Labcorp
Classification: Uncertain significance for Isolated microphthalmia 5. Last evaluated: 2022-10-05. Review status: criteria provided, single submitter. Criteria: Invitae Variant Classification Sherloc (09022015). Collection method: clinical testing. Allele origin: germline.
Comment: This sequence change replaces proline, which is neutral and non-polar, with leucine, which is neutral and non-polar, at codon 37 of the MFRP protein (p.Pro37Leu). This variant is present in population databases (rs147251765, gnomAD 0.04%). This variant has not been reported in the literature in individuals affected with MFRP-related conditions. ClinVar contains an entry for this variant (Variation ID: 841912). Advanced modeling of protein sequence and biophysical properties (such as structural, functional, and spatial information, amino acid conservation, physicochemical variation, residue mobility, and thermodynamic stability) performed at Invitae indicates that this missense variant is not expected to disrupt MFRP protein function. In summary, the available evidence is currently insufficient to determine the role of this variant in disease. Therefore, it has been classified as a Variant of Uncertain Significance.

Blueprint Genetics
Classification: Uncertain significance. Last evaluated: 2021-10-06. Review status: criteria provided, single submitter. Criteria: ACMG Guidelines, 2015. Collection method: clinical testing. Allele origin: germline.

NM_031433.4(MFRP):c.110C>T (p.Pro37Leu)

Genes: C1QTNF5 (C1q and TNF related 5; minus strand), MFRP (membrane frizzled-related protein; minus strand). Cytogenetic location: 11q23.3.
Variant type: single nucleotide variant.
Coding change: c.110C>T on transcript NM_031433.4 (MANE Select); coding-DNA position 110, C replaced by T.
Protein change: p.Pro37Leu; replaces proline 37 with leucine.
Molecular consequence: missense variant. On other transcripts: 5 prime UTR variant (1).
Genome position (GRCh38, 1-based): chr11:119,346,319, G>A on the plus strand (C>T on the coding strand, the complement: MFRP is on the minus strand). VCF-style: chr11-119346319-G-A. GRCh37 (hg19) VCF-style: chr11-119217029-G-A.
Other names: c.-2527C>T (NM_015645.5); short protein forms P37L.
Identifiers: ClinVar variation 841912 (VCV000841912.11), dbSNP rs147251765, ClinGen allele CA6320704.
Genomic context (GRCh38, chr11:119,346,319, plus strand): 5'-CTGGGATGGTTACCATGCCAGGGAGCTGGGACGCTGTAGCTGGCATCCTCTGGGAAAACT[G>A]GGGGAGGGCAGGGTGGCCCAGACTCAGGCTCGAAGGCAGGATTGCAGAACTCGGTCTGGA-3'
Protein context (NP_113621.1, residues 27-47): EPESGPPCPP[Pro37Leu]VFPEDASYSV